The following is an entry in ClinVar:

ClinVar aggregate classification (germline): Uncertain significance (1 of 4 stars; one submission).

Submission:

Labcorp Genetics (formerly Invitae), Labcorp
Classification: Uncertain significance. Last evaluated: 2023-01-28. Review status: criteria provided, single submitter. Criteria: Invitae Variant Classification Sherloc (09022015). Collection method: clinical testing. Allele origin: germline.
Comment: This sequence change replaces glycine, which is neutral and non-polar, with serine, which is neutral and polar, at codon 966 of the GRIN2D protein (p.Gly966Ser). The frequency data for this variant in the population databases is considered unreliable, as metrics indicate insufficient coverage at this position in the gnomAD database. This variant has not been reported in the literature in individuals affected with GRIN2D-related conditions. Advanced modeling of protein sequence and biophysical properties (such as structural, functional, and spatial information, amino acid conservation, physicochemical variation, residue mobility, and thermodynamic stability) performed at Invitae indicates that this missense variant is not expected to disrupt GRIN2D protein function. In summary, the available evidence is currently insufficient to determine the role of this variant in disease. Therefore, it has been classified as a Variant of Uncertain Significance.

NM_000836.4(GRIN2D):c.2896G>A (p.Gly966Ser)

Gene: GRIN2D (glutamate ionotropic receptor NMDA type subunit 2D; plus strand). Cytogenetic location: 19q13.33.
Variant type: single nucleotide variant.
Coding change: c.2896G>A on transcript NM_000836.4 (MANE Select); coding-DNA position 2896, G replaced by A.
Protein change: p.Gly966Ser; replaces glycine 966 with serine.
Molecular consequence: missense variant.
Genome position (GRCh38, 1-based): chr19:48,442,822, G>A. VCF-style: chr19-48442822-G-A. GRCh37 (hg19) VCF-style: chr19-48946079-G-A.
Other names: short protein forms G966S.
Identifiers: ClinVar variation 2961924 (VCV002961924.3), dbSNP rs2513692038, ClinGen allele CA406674172.